The following is an entry in ClinVar:

NM_003413.4(ZIC3):c.906C>T (p.Cys302=)

Gene: ZIC3 (Zic family zinc finger 3; plus strand). Cytogenetic location: Xq26.3.
Variant type: single nucleotide variant.
Coding change: c.906C>T on transcript NM_003413.4 (MANE Select); coding-DNA position 906, C replaced by T.
Protein change: p.Cys302=; no amino-acid change (cysteine 302 retained).
Molecular consequence: synonymous variant.
Genome position (GRCh38, 1-based): chrX:137,567,597, C>T. VCF-style: chrX-137567597-C-T. GRCh37 (hg19) VCF-style: chrX-136649756-C-T.
Other names: c.906C>T, p.Cys302= (NM_001330661.1).
Identifiers: ClinVar variation 367954 (VCV000367954.9), dbSNP rs779221820, ClinGen allele CA10529335.
Genomic context (GRCh38, chrX:137,567,597, plus strand): 5'-CACCATGGAGCATGTGGGGGGCCCGGAGCAGAACAACCACGTCTGCTACTGGGAGGAGTG[C>T]CCCCGGGAGGGCAAGTCTTTCAAGGCGAAGTACAAACTGGTCAACCACATCCGAGTGCAC-3'
Protein context (NP_003404.1, residues 292-312): QNNHVCYWEE[Cys302=]PREGKSFKAK

ClinVar aggregate classification (germline): Benign/Likely benign. Review status: criteria provided, multiple submitters, no conflicts (2 of 4 stars). 3 submissions from 2 submitters: Benign (2); Likely benign (1). Last evaluated 2023-07-06.

Conditions:
VACTERL association, X-linked, with or without hydrocephalus (VACTERLX). Also called: VACTERL-H, X-LINKED; VACTERL Association with Hydrocephalus, X-linked; X-linked VACTERL-H syndrome; VACTERL ASSOCIATION, X-LINKED. Identifiers: Orphanet 3412, MedGen C2931228, MONDO:0010752, OMIM 314390.
Heterotaxy, visceral, 1, X-linked (HTX1). Also called: DEXTROCARDIA WITH OTHER CARDIAC MALFORMATIONS; Laterality, X-linked; Visceral heterotaxia; SITUS INVERSUS, COMPLEX CARDIAC DEFECTS, AND SPLENIC DEFECTS, X-LINKED. Identifiers: Orphanet 450, MedGen C1844020, MONDO:0010607, OMIM 306955.

Allele frequency attached by ClinVar (database versions not stated): ExAC 0.00001; gnomAD exomes 0.00002; gnomAD 0.00004 and 0.00008; TOPMed 0.00004; 1000 Genomes Project 30x 0.00042; 1000 Genomes Project 0.00053.
gnomAD v4.1: 179 of 1,211,261 alleles (0.015%); highest among the groups gnomAD compares: East Asian, 0.52%; no homozygotes.

Submissions (3):

Labcorp Genetics (formerly Invitae), Labcorp
Classification: Benign for Heterotaxy, visceral, 1, X-linked. Last evaluated: 2023-07-06. Review status: criteria provided, single submitter. Criteria: Invitae Variant Classification Sherloc (09022015). Collection method: clinical testing. Allele origin: germline.

Illumina Laboratory Services, Illumina
Classification: Likely benign for Heterotaxy, visceral, 1, X-linked. Last evaluated: 2018-01-13. Review status: criteria provided, single submitter. Criteria: ICSL Variant Classification Criteria 13 December 2019. Collection method: clinical testing. Allele origin: germline.
Comment: This variant was observed in the ICSL laboratory as part of a predisposition screen in an ostensibly healthy population. It had not been previously curated by ICSL or reported in the Human Gene Mutation Database (HGMD: prior to June 1st, 2018), and was therefore a candidate for classification through an automated scoring system. Utilizing variant allele frequency, disease prevalence and penetrance estimates, and inheritance mode, an automated score was calculated to assess if this variant is too frequent to cause the disease. Based on the score and internal cut-off values, a variant classified as likely benign is not then subjected to further curation. The score for this variant resulted in a classification of likely benign for this disease.

Illumina Laboratory Services, Illumina
Classification: Benign for VACTERL association, X-linked, with or without hydrocephalus. Last evaluated: 2018-01-13. Review status: criteria provided, single submitter. Criteria: ICSL Variant Classification Criteria 13 December 2019. Collection method: clinical testing. Allele origin: germline.
Comment: This variant was observed in the ICSL laboratory as part of a predisposition screen in an ostensibly healthy population. It had not been previously curated by ICSL or reported in the Human Gene Mutation Database (HGMD: prior to June 1st, 2018), and was therefore a candidate for classification through an automated scoring system. Utilizing variant allele frequency, disease prevalence and penetrance estimates, and inheritance mode, an automated score was calculated to assess if this variant is too frequent to cause the disease. Based on the score and internal cut-off values, a variant classified as benign is not then subjected to further curation. The score for this variant resulted in a classification of benign for this disease.